The following is an entry in ClinVar:

ClinVar aggregate classification (germline): Conflicting classifications of pathogenicity. Review status: criteria provided, conflicting classifications (1 of 4 stars). 22 submissions from 18 submitters: Uncertain significance (10); Benign (2); Likely benign (5). 5 of the submissions do not count toward it. Last evaluated 2025-06-23.

Conditions:
TTN-related disorder. Also called: TTN-related condition; TTN-related disease; TTN-related disorders.
Cardiovascular phenotype. Identifiers: MedGen CN230736.
Dilated cardiomyopathy 1G (CMD1G). Identifiers: Orphanet 154, MedGen C1858763, MONDO:0011400, OMIM 604145.
Autosomal recessive limb-girdle muscular dystrophy type 2J (LGMDR10). Also called: Limb-girdle muscular dystrophy, type 2J; MUSCULAR DYSTROPHY, LIMB-GIRDLE, AUTOSOMAL RECESSIVE 10. Identifiers: Orphanet 140922, MedGen C1837342, MONDO:0012127, OMIM 608807.
Cardiomyopathy (CMYO). Also called: Cardiomyopathies. Identifiers: Orphanet 167848, MedGen C0878544, MONDO:0004994, HP:0001638. Inheritance: Various modes of inheritance.
Early-onset myopathy with fatal cardiomyopathy (CMYO5). Also called: Salih Myopathy; CONGENITAL MYOPATHY 5 WITH CARDIOMYOPATHY. Identifiers: Orphanet 289377, MedGen C2673677, MONDO:0012714, OMIM 611705. Disease mechanism: loss of function.
Myopathy, myofibrillar, 9, with early respiratory failure (MFM9). Also called: Hereditary myopathy with early respiratory failure; Myopathy, distal, with early respiratory failure, autosomal dominant; EDSTROM MYOPATHY; MYOPATHY, PROXIMAL, WITH EARLY RESPIRATORY MUSCLE INVOLVEMENT. Identifiers: Orphanet 178464, Orphanet 34521, MedGen C1863599, MONDO:0011362, OMIM 603689.
Tibial muscular dystrophy (TMD). Also called: Udd Distal Myopathy – Tibial Muscular Dystrophy; Tibial muscular dystrophy, tardive; UDD MYOPATHY. Identifiers: Orphanet 609, MedGen C1838244, MONDO:0010870, OMIM 600334.

Allele frequency attached by ClinVar (database versions not stated): TOPMed 0.00015; gnomAD 0.00018; 1000 Genomes Project 0.00020; 1000 Genomes Project 30x 0.00031; ESP Exome Variant Server 0.00059.
gnomAD v4.1: 379 of 1,613,646 alleles (0.023%); highest among the groups gnomAD compares: Non-Finnish European, 0.03%; no homozygotes.

Submissions 1 to 16 of 22:

Mayo Clinic Laboratories, Mayo Clinic
Classification: Uncertain significance. Last evaluated: 2025-06-23. Review status: criteria provided, single submitter. Criteria: ACMG Guidelines, 2015. Collection method: clinical testing. Allele origin: germline. Observed: 2 variant alleles.
Comment: BP4_moderate

PreventionGenetics, part of Exact Sciences
Classification: Likely benign for TTN-related condition. Last evaluated: 2025-06-16. Review status: criteria provided, single submitter. Criteria: ACMG Guidelines, 2015. Collection method: clinical testing. Allele origin: germline.
Comment: This variant is classified as likely benign based on ACMG/AMP sequence variant interpretation guidelines (Richards et al. 2015 PMID: 25741868, with internal and published modifications).

Revvity Omics, Revvity
Classification: Uncertain significance. Last evaluated: 2025-03-12. Review status: criteria provided, single submitter. Criteria: ACMG Guidelines, 2015. Collection method: clinical testing. Allele origin: germline.

Blueprint Genetics
Classification: Likely benign. Last evaluated: 2024-11-26. Review status: criteria provided, single submitter. Criteria: ACMG Guidelines, 2015. Collection method: clinical testing. Allele origin: germline.

Women's Health and Genetics/Laboratory Corporation of America, LabCorp
Classification: Likely benign. Last evaluated: 2024-10-15. Review status: criteria provided, single submitter. Criteria: LabCorp Variant Classification Summary - May 2015. Collection method: clinical testing. Allele origin: germline.
Comment: Variant summary: TTN c.10500C>A (p.Asp3500Glu) results in a conservative amino acid change located in the I-band region of the encoded protein sequence. Five of five in-silico tools predict a benign effect of the variant on protein function. The variant allele was found at a frequency of 0.00023 in 248492 control chromosomes, predominantly at a frequency of 0.00047 within the Non-Finnish European subpopulation in the gnomAD database. The observed variant frequency within Non-Finnish European control individuals in the gnomAD database is approximately 1.2 fold of the estimated maximal expected allele frequency for a pathogenic variant in TTN causing Dilated Cardiomyopathy phenotype (0.00039). The variant, c.10500C>A, has been reported in the literature in an individual affected with Sudden Unexplained Death (Campuzano_2015), however without strong evidence for causality. These report(s) do not provide unequivocal conclusions about association of the variant with Dilated Cardiomyopathy. To our knowledge, no experimental evidence demonstrating an impact on protein function has been reported. The following publication have been ascertained in the context of this evaluation (PMID: 26516846). ClinVar contains an entry for this variant (Variation ID: 46585). Based on the evidence outlined above, the variant was classified as likely benign.

CeGaT Center for Human Genetics Tuebingen
Classification: Uncertain significance. Last evaluated: 2024-05-01. Review status: criteria provided, single submitter. Criteria: CeGaT Center For Human Genetics Tuebingen Variant Classification Criteria Version 2. Collection method: clinical testing. Allele origin: germline. Affected: yes. Observed: 2 variant alleles.
Comment: TTN: PM2, BP4

CHEO Genetics Diagnostic Laboratory, Children's Hospital of Eastern Ontario
Classification: Likely benign for Cardiomyopathy. Last evaluated: 2021-06-03. Review status: criteria provided, single submitter. Criteria: ACMG Guidelines, 2015. Collection method: clinical testing. Allele origin: germline. Study: Canadian Open Genetics Repository.

Ambry Genetics
Classification: Likely benign for Cardiovascular phenotype. Last evaluated: 2020-06-30. Review status: criteria provided, single submitter. Criteria: Ambry Variant Classification Scheme 2023. Collection method: clinical testing. Allele origin: germline.

ARUP Laboratories, Molecular Genetics and Genomics, ARUP Laboratories
Classification: Uncertain significance. Last evaluated: 2019-09-25. Review status: criteria provided, single submitter. Criteria: ARUP Molecular Germline Variant Investigation Process. Collection method: clinical testing. Allele origin: germline.
Comment: The TTN c.14232C>A; p.Asp4744Glu variant (rs55906845; ClinVar Variation ID: 46585) is rare in the general population (<1% allele frequency in the Genome Aggregation Database) and has not been reported in the medical literature in association with dilated cardiomyopathy (DCM) or other TTN-related disease. The clinical relevance of rare missense variants in this gene, which are identified on average once per individual sequenced in affected populations (Herman 2012), is not well understood. Yet, evidence suggests that the vast majority of such missense variants do not contribute to the clinical outcome of DCM (Begay 2015). Thus, the clinical significance of the p.Asp4744Glu variant cannot be determined with certainty. References: Begay RL et al. Role of Titin Missense Variants in Dilated Cardiomyopathy. J Am Heart Assoc. 2015 Nov 13;4(11). Herman DS et al. Truncations of titin causing dilated cardiomyopathy. N Engl J Med. 2012 Feb 16;366(7):619-28. Linke and Hamdani. Gigantic business: titin properties and function through thick and thin. Circ Res 2014; 114(6): 1052-1068.

Eurofins Ntd Llc (ga)
Classification: Uncertain significance. Last evaluated: 2018-07-30. Review status: criteria provided, single submitter. Criteria: EGL ClinVar v180209 classification definitions. Collection method: clinical testing. Allele origin: germline. Observed: 5 variant alleles, 5 heterozygotes.

Illumina Laboratory Services, Illumina
Classification: Benign for Tibial muscular dystrophy. Last evaluated: 2018-01-13. Review status: criteria provided, single submitter. Criteria: ICSL Variant Classification Criteria 13 December 2019. Collection method: clinical testing. Allele origin: germline.
Comment: This variant was observed in the ICSL laboratory as part of a predisposition screen in an ostensibly healthy population. It had not been previously curated by ICSL or reported in the Human Gene Mutation Database (HGMD: prior to June 1st, 2018), and was therefore a candidate for classification through an automated scoring system. Utilizing variant allele frequency, disease prevalence and penetrance estimates, and inheritance mode, an automated score was calculated to assess if this variant is too frequent to cause the disease. Based on the score and internal cut-off values, a variant classified as benign is not then subjected to further curation. The score for this variant resulted in a classification of benign for this disease.

Illumina Laboratory Services, Illumina
Classification: Uncertain significance for Dilated cardiomyopathy 1G. Last evaluated: 2018-01-13. Review status: criteria provided, single submitter. Criteria: ICSL Variant Classification Criteria 13 December 2019. Collection method: clinical testing. Allele origin: germline.

Illumina Laboratory Services, Illumina
Classification: Uncertain significance for Autosomal recessive limb-girdle muscular dystrophy type 2J. Last evaluated: 2018-01-13. Review status: criteria provided, single submitter. Criteria: ICSL Variant Classification Criteria 13 December 2019. Collection method: clinical testing. Allele origin: germline.

Illumina Laboratory Services, Illumina
Classification: Uncertain significance for Early-onset myopathy with fatal cardiomyopathy. Last evaluated: 2018-01-13. Review status: criteria provided, single submitter. Criteria: ICSL Variant Classification Criteria 13 December 2019. Collection method: clinical testing. Allele origin: germline.

Illumina Laboratory Services, Illumina
Classification: Benign for Myopathy, myofibrillar, 9, with early respiratory failure. Last evaluated: 2018-01-13. Review status: criteria provided, single submitter. Criteria: ICSL Variant Classification Criteria 13 December 2019. Collection method: clinical testing. Allele origin: germline.
Comment: the same text as in the submission from Illumina Laboratory Services, Illumina above.

Labcorp Genetics (formerly Invitae), Labcorp
Classification: Uncertain significance for Dilated cardiomyopathy 1G; Autosomal recessive limb-girdle muscular dystrophy type 2J. Last evaluated: 2017-08-15. Review status: criteria provided, single submitter. Criteria: Invitae Variant Classification Sherloc (09022015). Collection method: clinical testing. Allele origin: germline.

NM_001267550.2(TTN):c.14232C>A (p.Asp4744Glu)

Gene: TTN (titin; minus strand). Cytogenetic location: 2q31.2.
Variant type: single nucleotide variant.
Coding change: c.14232C>A on transcript NM_001267550.2 (MANE Select); coding-DNA position 14232, C replaced by A.
Protein change: p.Asp4744Glu; replaces aspartic acid 4744 with glutamic acid.
Molecular consequence: missense variant.
Genome position (GRCh38, 1-based): chr2:178,738,221, G>T on the plus strand (C>A on the coding strand, the complement: TTN is on the minus strand). VCF-style: chr2-178738221-G-T. GRCh37 (hg19) VCF-style: chr2-179602948-G-T.
Other names: p.D4427E:GAC>GAA; c.13281C>A, p.Asp4427Glu (NM_001256850.1); c.13143C>A, p.Asp4381Glu (NM_003319.4); c.10500C>A, p.Asp3500Glu (NM_133378.4); c.13518C>A, p.Asp4506Glu (NM_133432.3); c.13719C>A, p.Asp4573Glu (NM_133437.4); short protein forms D4744E, D3500E, D4427E, D4381E, D4573E, D4506E.
Identifiers: ClinVar variation 46585 (VCV000046585.69), dbSNP rs55906845, ClinGen allele CA138670.